The following is an entry in ClinVar:

ClinVar aggregate classification (germline): Likely benign (1 of 4 stars; one submission).

Conditions:
EP300-related disorder. Also called: EP300-related condition; EP300-related disorders.

gnomAD v4.1: 4 of 1,613,264 alleles (0.00025%); highest among the groups gnomAD compares: Non-Finnish European, 0.00034%; no homozygotes.

Submission:

PreventionGenetics, part of Exact Sciences
Classification: Likely benign for EP300-related condition. Last evaluated: 2026-03-09. Review status: criteria provided, single submitter. Criteria: ACMG Guidelines, 2015. Collection method: clinical testing. Allele origin: germline.
Comment: This variant is classified as likely benign based on ACMG/AMP sequence variant interpretation guidelines (Richards et al. 2015 PMID: 25741868, with internal and published modifications).

NM_001429.4(EP300):c.730-7C>T

Gene: EP300 (EP300 lysine acetyltransferase; plus strand). Cytogenetic location: 22q13.2.
Variant type: single nucleotide variant.
Coding change: c.730-7C>T on transcript NM_001429.4 (MANE Select); 7 bases into the intron before coding-DNA position 730, C replaced by T.
Molecular consequence: intron variant.
Genome position (GRCh38, 1-based): chr22:41,125,857, C>T. VCF-style: chr22-41125857-C-T. GRCh37 (hg19) VCF-style: chr22-41521861-C-T.
Other names: c.730-7C>T (NM_001362843.2).
Identifiers: ClinVar variation 4990256 (VCV004990256.1).
Genomic context (GRCh38, chr22:41,125,857, plus strand): 5'-CAGAAAAGGAATAATAATGTCTTAAATTTTATTGCTTATTTTGTTTTCTTTTGTTTCTTA[C>T]TCTTAGATGGGAATGATGAACAACCCCAATCCTTATGGTTCACCATATACTCAGAATCCT-3'